The following is an entry in ClinVar:

NM_024079.5(ALG8):c.859G>A (p.Ala287Thr)

Gene: ALG8 (ALG8 alpha-1,3-glucosyltransferase; minus strand). Cytogenetic location: 11q14.1.
Variant type: single nucleotide variant.
Coding change: c.859G>A on transcript NM_024079.5 (MANE Select); coding-DNA position 859, G replaced by A.
Protein change: p.Ala287Thr; replaces alanine 287 with threonine.
Molecular consequence: missense variant.
Genome position (GRCh38, 1-based): chr11:78,112,689, C>T on the plus strand (G>A on the coding strand, the complement: ALG8 is on the minus strand). VCF-style: chr11-78112689-C-T. GRCh37 (hg19) VCF-style: chr11-77823735-C-T.
Other names: c.859G>A, p.Ala287Thr (NM_001007027.3); short protein forms A287T.
Identifiers: ClinVar variation 2127292 (VCV002127292.4), dbSNP rs2497000973, ClinGen allele CA382116038.

ClinVar aggregate classification (germline): Uncertain significance (1 of 4 stars; one submission).

Conditions:
ALG8 congenital disorder of glycosylation. Also called: ALG8-CDG; CONGENITAL DISORDER OF GLYCOSYLATION, TYPE Ih; CDG Ih. Identifiers: Orphanet 79325, MedGen C2931002, MONDO:0011969, OMIM 608104.

Submission:

Labcorp Genetics (formerly Invitae), Labcorp
Classification: Uncertain significance for ALG8 congenital disorder of glycosylation. Last evaluated: 2022-04-17. Review status: criteria provided, single submitter. Criteria: Invitae Variant Classification Sherloc (09022015). Collection method: clinical testing. Allele origin: germline.
Comment: In summary, the available evidence is currently insufficient to determine the role of this variant in disease. Therefore, it has been classified as a Variant of Uncertain Significance. Algorithms developed to predict the effect of missense changes on protein structure and function (SIFT, PolyPhen-2, Align-GVGD) all suggest that this variant is likely to be disruptive. This variant has not been reported in the literature in individuals affected with ALG8-related conditions. This variant is not present in population databases (gnomAD no frequency). This sequence change replaces alanine, which is neutral and non-polar, with threonine, which is neutral and polar, at codon 287 of the ALG8 protein (p.Ala287Thr).